The following is an entry in ClinVar:

NM_000152.5(GAA):c.351G>A (p.Leu117=)

Gene: GAA (alpha glucosidase; plus strand). Cytogenetic location: 17q25.3.
Variant type: single nucleotide variant.
Coding change: c.351G>A on transcript NM_000152.5 (MANE Select); coding-DNA position 351, G replaced by A.
Protein change: p.Leu117=; no amino-acid change (leucine 117 retained).
Molecular consequence: synonymous variant.
Genome position (GRCh38, 1-based): chr17:80,104,937, G>A. VCF-style: chr17-80104937-G-A. GRCh37 (hg19) VCF-style: chr17-78078736-G-A.
Other names: p.Leu117=; c.351G>A (LRG_673t1); c.351G>A, p.Leu117= (NM_001079803.3, NM_001079804.3).
Identifiers: ClinVar variation 283496 (VCV000283496.24), dbSNP rs574947353, ClinGen allele CA8814854.

ClinVar aggregate classification (germline): Benign/Likely benign. Review status: criteria provided, multiple submitters, no conflicts (2 of 4 stars). 9 submissions from 9 submitters: Benign (1); Likely benign (7). 1 of the submissions does not count toward it. Last evaluated 2026-08-01.

Conditions:
GAA-related disorder. Also called: GAA-related condition.
Cardiovascular phenotype. Identifiers: MedGen CN230736.
Glycogen storage disease, type II (IOPD). Also called: Pompe Disease; CARDIOMEGALIA GLYCOGENICA DIFFUSA; Glucosidase acid-1,4-alpha deficiency; POMPE DISEASE, INFANTILE-ONSET; GLYCOGEN STORAGE DISEASE II, INFANTILE-ONSET; ACID ALPHA-GLUCOSIDASE DEFICIENCY, INFANTILE-ONSET. Identifiers: Orphanet 365, MedGen C0017921, MONDO:0009290, OMIM 232300.

Allele frequency attached by ClinVar (database versions not stated): gnomAD 0.00003 and 0.00023; TOPMed 0.00006; gnomAD exomes 0.00044 and 0.00097; ExAC 0.00120; 1000 Genomes Project 30x 0.00203; 1000 Genomes Project 0.00220.
gnomAD v4.1: 705 of 1,612,348 alleles (0.044%); highest among the groups gnomAD compares: South Asian, 0.69%; 11 homozygotes.

Submissions (9):

CeGaT Center for Human Genetics Tuebingen
Classification: Likely benign. Last evaluated: 2026-08-01. Review status: criteria provided, single submitter. Criteria: CeGaT Center For Human Genetics Tuebingen Variant Classification Criteria Version 2. Collection method: clinical testing. Allele origin: germline. Affected: yes. Observed: 1 variant allele.
Comment: GAA: BP4, BP7

Labcorp Genetics (formerly Invitae), Labcorp
Classification: Benign for Glycogen storage disease, type II. Last evaluated: 2026-01-31. Review status: criteria provided, single submitter. Criteria: Invitae Variant Classification Sherloc (09022015). Collection method: clinical testing. Allele origin: germline.

Blueprint Genetics
Classification: Likely benign. Last evaluated: 2024-11-19. Review status: criteria provided, single submitter. Criteria: ACMG Guidelines, 2015. Collection method: clinical testing. Allele origin: germline.

Mayo Clinic Laboratories, Mayo Clinic
Classification: Likely benign. Last evaluated: 2024-10-23. Review status: criteria provided, single submitter. Criteria: ACMG Guidelines, 2015. Collection method: clinical testing. Allele origin: germline. Observed: 2 variant alleles.
Comment: BS1

Ambry Genetics
Classification: Likely benign for Cardiovascular phenotype. Last evaluated: 2022-07-25. Review status: criteria provided, single submitter. Criteria: Ambry Variant Classification Scheme 2023. Collection method: clinical testing. Allele origin: germline.

Women's Health and Genetics/Laboratory Corporation of America, LabCorp
Classification: Likely benign. Last evaluated: 2020-07-30. Review status: criteria provided, single submitter. Criteria: LabCorp Variant Classification Summary - May 2015. Collection method: clinical testing. Allele origin: germline.

GeneDx
Classification: Likely benign. Last evaluated: 2020-07-08. Review status: criteria provided, single submitter. Criteria: GeneDx Variant Classification Process June 2021. Collection method: clinical testing. Allele origin: germline. Affected: yes.

Eurofins Ntd Llc (ga)
Classification: Likely benign. Last evaluated: 2015-10-07. Review status: criteria provided, single submitter. Criteria: EGL Classification Definitions 2015. Collection method: clinical testing. Allele origin: germline. Observed: 1 variant allele, 1 heterozygote.

PreventionGenetics, part of Exact Sciences
Classification: Benign for GAA-related condition. Last evaluated: 2024-07-11. Review status: no assertion criteria provided. Collection method: clinical testing. Allele origin: germline. Not counted in ClinVar's aggregate classification.
Comment: This variant is classified as benign based on ACMG/AMP sequence variant interpretation guidelines (Richards et al. 2015 PMID: 25741868, with internal and published modifications).